The following is an entry in ClinVar:

ClinVar aggregate classification (germline): Pathogenic (1 of 4 stars; one submission).

Conditions:
Propionic acidemia (PROP). Also called: GLYCINEMIA, KETOTIC; HYPERGLYCINEMIA WITH KETOACIDOSIS AND LEUKOPENIA; KETOTIC HYPERGLYCINEMIA. Identifiers: Orphanet 35, MedGen C0268579, MONDO:0011628, OMIM 606054, HP:0003571.

Submission:

Labcorp Genetics (formerly Invitae), Labcorp
Classification: Pathogenic for Propionyl-CoA carboxylase deficiency. Last evaluated: 2018-09-28. Review status: criteria provided, single submitter. Criteria: Invitae Variant Classification Sherloc (09022015). Collection method: clinical testing. Allele origin: germline.
Comment: This sequence change creates a premature translational stop signal (p.Ala46del) in the PCCB gene. It is expected to result in an absent or disrupted protein product. This variant is not present in population databases (ExAC no frequency). This variant has not been reported in the literature in individuals with PCCB-related disease. Loss-of-function variants in PCCB are known to be pathogenic (PMID: 15464417). For these reasons, this variant has been classified as Pathogenic.

NM_000532.5(PCCB):c.136_139delinsCCT (p.Ala46fs)

Gene: PCCB (propionyl-CoA carboxylase subunit beta; plus strand). Cytogenetic location: 3q22.3.
Variant type: Indel.
Coding change: c.136_139delinsCCT on transcript NM_000532.5 (MANE Select); coding-DNA positions 136 to 139, GCGC replaced by CCT.
Protein change: p.Ala46fs; shifts the reading frame from alanine 46.
Molecular consequence: frameshift variant.
Genome position (GRCh38, 1-based): chr3:136,250,511-136,250,514, GCGC replaced by CCT. VCF-style: chr3-136250511-GCGC-CCT. GRCh37 (hg19) VCF-style: chr3-135969353-GCGC-CCT.
Other names: c.136_139delinsCCT, p.Ala46fs (NM_001178014.2); short protein forms A46fs.
Identifiers: ClinVar variation 666048 (VCV000666048.1), dbSNP rs1576397633, ClinGen allele CA915941587.